The following is an entry in ClinVar:

ClinVar aggregate classification (germline): Uncertain significance. Review status: criteria provided, multiple submitters, no conflicts (2 of 4 stars). 2 submissions from 2 submitters: Uncertain significance (2). Last evaluated 2024-04-24.

Conditions:
Autosomal dominant nocturnal frontal lobe epilepsy 5. Also called: Epilepsy, nocturnal frontal lobe, 5; CILIARY DYSKINESIA, PRIMARY, 28, WITHOUT SITUS INVERSUS; CILIARY DYSKINESIA, PRIMARY, 28, WITH SITUS INVERSUS; KCNT1-Related Epilepsy. Identifiers: Orphanet 98784, MedGen C3554306, MONDO:0014002, OMIM 615005.
Developmental and epileptic encephalopathy, 14 (DEE14). Also called: Early infantile epileptic encephalopathy 14. Identifiers: Orphanet 293181, MedGen C3554195, MONDO:0013989, OMIM 614959.

Allele frequency attached by ClinVar (database versions not stated): ExAC 0.00001; gnomAD 0.00001; gnomAD exomes below 0.00001 and 0.00001; 1000 Genomes Project 0.00020; 1000 Genomes Project 30x 0.00031.

Submissions (2):

Genetics and Genomic Medicine Centre, NeuroGen Healthcare, NeuroGen Healthcare
Classification: Uncertain significance for Developmental and epileptic encephalopathy, 14. Last evaluated: 2024-04-24. Review status: criteria provided, single submitter. Criteria: ACMG Guidelines, 2015. Collection method: clinical testing. Allele origin: unknown. Affected: yes.

Labcorp Genetics (formerly Invitae), Labcorp
Classification: Uncertain significance for Autosomal dominant nocturnal frontal lobe epilepsy 5; Developmental and epileptic encephalopathy, 14. Last evaluated: 2022-07-25. Review status: criteria provided, single submitter. Criteria: Invitae Variant Classification Sherloc (09022015). Collection method: clinical testing. Allele origin: germline.
Comment: Advanced modeling of protein sequence and biophysical properties (such as structural, functional, and spatial information, amino acid conservation, physicochemical variation, residue mobility, and thermodynamic stability) performed at Invitae indicates that this missense variant is expected to disrupt KCNT1 protein function. In summary, the available evidence is currently insufficient to determine the role of this variant in disease. Therefore, it has been classified as a Variant of Uncertain Significance. ClinVar contains an entry for this variant (Variation ID: 473359). This missense change has been observed in at least one individual who was not affected with KCNT1-related conditions (Invitae). This missense change has been observed in individual(s) with clinical features of KCNT1-related conditions (Invitae). This variant is present in population databases (rs577633745, gnomAD 0.003%). This sequence change replaces alanine, which is neutral and non-polar, with threonine, which is neutral and polar, at codon 482 of the KCNT1 protein (p.Ala482Thr).

NM_020822.3(KCNT1):c.1444G>A (p.Ala482Thr)

Gene: KCNT1 (potassium sodium-activated channel subfamily T member 1; plus strand). Cytogenetic location: 9q34.3.
Variant type: single nucleotide variant.
Coding change: c.1444G>A on transcript NM_020822.3 (MANE Select); coding-DNA position 1444, G replaced by A.
Protein change: p.Ala482Thr; replaces alanine 482 with threonine.
Molecular consequence: missense variant.
Genome position (GRCh38, 1-based): chr9:135,768,871, G>A. VCF-style: chr9-135768871-G-A. GRCh37 (hg19) VCF-style: chr9-138660717-G-A.
Other names: c.1309G>A, p.Ala437Thr (NM_001272003.2); short protein forms A482T, A437T.
Identifiers: ClinVar variation 473359 (VCV000473359.10), dbSNP rs577633745, ClinGen allele CA5326908.
Genomic context (GRCh38, chr9:135,768,871, plus strand): 5'-AACCACCCACCCCGCCAGGACCACCAGACCATCCTGCGCGCCTGGGCCGTGAAGGACTTC[G>A]CCCCCAACTGCCCCCTCTACGTCCAGATCCTCAAACCTGAAAACAAGTTTCACGTCAAGT-3'
Protein context (NP_065873.2, residues 472-492): ILRAWAVKDF[Ala482Thr]PNCPLYVQIL